The following is an entry in ClinVar:

ClinVar aggregate classification (germline): Uncertain significance. Review status: criteria provided, multiple submitters, no conflicts (2 of 4 stars). 2 submissions from 2 submitters: Uncertain significance (2). Last evaluated 2026-04-05.

Allele frequency attached by ClinVar (database versions not stated): gnomAD exomes 0.00002; ExAC 0.00007.
gnomAD v4.1: 32 of 1,613,168 alleles (0.002%); highest among the groups gnomAD compares: South Asian, 0.033%; no homozygotes.

Submissions (2):

GeneDx
Classification: Uncertain significance. Last evaluated: 2026-04-05. Review status: criteria provided, single submitter. Criteria: GeneDx Variant Classification Process June 2021. Collection method: clinical testing. Allele origin: germline.
Comment: In silico analysis supports that this missense variant has a deleterious effect on protein structure/function; Has not been previously published as pathogenic or benign to our knowledge

Blueprint Genetics
Classification: Uncertain significance. Last evaluated: 2024-09-10. Review status: criteria provided, single submitter. Criteria: ACMG Guidelines, 2015. Collection method: clinical testing. Allele origin: germline.

NM_153676.4(USH1C):c.2254G>C (p.Asp752His)

Gene: USH1C (USH1 protein network component harmonin; minus strand). Cytogenetic location: 11p15.1.
Variant type: single nucleotide variant.
Coding change: c.2254G>C on transcript NM_153676.4 (MANE Select); coding-DNA position 2254, G replaced by C.
Protein change: p.Asp752His; replaces aspartic acid 752 with histidine.
Molecular consequence: missense variant. On other transcripts: non-coding transcript variant (1).
Genome position (GRCh38, 1-based): chr11:17,501,508, C>G on the plus strand (G>C on the coding strand, the complement: USH1C is on the minus strand). VCF-style: chr11-17501508-C-G. GRCh37 (hg19) VCF-style: chr11-17523055-C-G.
Other names: c.1297G>C, p.Asp433His (NM_001297764.2); c.1354G>C, p.Asp452His (NM_005709.4); short protein forms D433H, D452H, D752H.
Identifiers: ClinVar variation 3252783 (VCV003252783.3), dbSNP rs766976437.